The following is an entry in ClinVar:

ClinVar aggregate classification (germline): Conflicting classifications of pathogenicity. Review status: criteria provided, conflicting classifications (1 of 4 stars). 5 submissions from 4 submitters: Uncertain significance (4); Likely benign (1). Last evaluated 2025-12-30.

Conditions:
Freeman-Sheldon syndrome (DA2A). Also called: Arthrogryposis, distal, type 2A (Freeman-Sheldon); CRANIOCARPOTARSAL DYSPLASIA; CRANIOCARPOTARSAL DYSTROPHY; WHISTLING FACE-WINDMILL VANE HAND SYNDROME. Identifiers: Orphanet 2053, MedGen C0265224, MONDO:0008675, OMIM 193700.
Distal arthrogryposis type 2B1 (DA2B1). Also called: Arthrogryposis multiplex congenita distal type II with craniofacial abnormalities. Identifiers: Orphanet 1147, MedGen C5193014, MONDO:0020820, OMIM 601680.
Arthrogryposis, distal, type 2B3. Also called: Arthrogryposis, distal, type 2B3 (Sheldon-Hall). Identifiers: MedGen C5193098, MONDO:0032751, OMIM 618436.
Contractures, pterygia, and variable skeletal fusions syndrome 1B. Also called: CONTRACTURES, PTERYGIA, AND SPONDYLOCARPOTARSAL FUSION SYNDROME 1B. Identifiers: MedGen C5193114, MONDO:0020746, OMIM 618469.
Contractures, pterygia, and spondylocarpotarsal fusion syndrome 1A (CPSFS1A). Also called: Contractures, pterygia, and variable skeletal fusions syndrome 1A; MULTIPLE PTERYGIUM SYNDROME, AUTOSOMAL DOMINANT; Distal arthrogryposis type 8. Identifiers: Orphanet 65743, MedGen C1867440, MONDO:0008338, OMIM 178110.

Allele frequency attached by ClinVar (database versions not stated): ExAC 0.00021; gnomAD exomes 0.00026 and 0.00053; gnomAD 0.00027 and 0.00028; ESP Exome Variant Server 0.00031; TOPMed 0.00034.

Submissions (5):

Labcorp Genetics (formerly Invitae), Labcorp
Classification: Likely benign. Last evaluated: 2025-12-30. Review status: criteria provided, single submitter. Criteria: Invitae Variant Classification Sherloc (09022015). Collection method: clinical testing. Allele origin: germline.

GeneDx
Classification: Uncertain significance. Last evaluated: 2024-12-27. Review status: criteria provided, single submitter. Criteria: GeneDx Variant Classification Process June 2021. Collection method: clinical testing. Allele origin: germline. Affected: yes.
Comment: In silico analysis supports that this missense variant has a deleterious effect on protein structure/function; Has not been previously published as pathogenic or benign to our knowledge

Department of Pathology and Laboratory Medicine, Sinai Health System
Classification: Uncertain significance for Contractures, pterygia, and spondylocarpotarsal fusion syndrome 1A; Freeman-Sheldon syndrome; Arthrogryposis, distal, type 2B3; Contractures, pterygia, and variable skeletal fusions syndrome 1B. Last evaluated: 2022-01-21. Review status: criteria provided, single submitter. Criteria: ACMG Guidelines, 2015. Collection method: research. Allele origin: germline.

Illumina Laboratory Services, Illumina
Classification: Uncertain significance for Freeman-Sheldon syndrome. Last evaluated: 2017-04-27. Review status: criteria provided, single submitter. Criteria: ICSL Variant Classification Criteria 13 December 2019. Collection method: clinical testing. Allele origin: germline.

Illumina Laboratory Services, Illumina
Classification: Uncertain significance for Distal arthrogryposis type 2B1. Last evaluated: 2017-04-27. Review status: criteria provided, single submitter. Criteria: ICSL Variant Classification Criteria 13 December 2019. Collection method: clinical testing. Allele origin: germline.

NM_002470.4(MYH3):c.3532G>A (p.Asp1178Asn)

Gene: MYH3 (myosin heavy chain 3; minus strand). Cytogenetic location: 17p13.1.
Variant type: single nucleotide variant.
Coding change: c.3532G>A on transcript NM_002470.4 (MANE Select); coding-DNA position 3532, G replaced by A.
Protein change: p.Asp1178Asn; replaces aspartic acid 1178 with asparagine.
Molecular consequence: missense variant.
Genome position (GRCh38, 1-based): chr17:10,638,240, C>T on the plus strand (G>A on the coding strand, the complement: MYH3 is on the minus strand). VCF-style: chr17-10638240-C-T. GRCh37 (hg19) VCF-style: chr17-10541557-C-T.
Other names: short protein forms D1178N.
Identifiers: ClinVar variation 885219 (VCV000885219.11), dbSNP rs199834077, ClinGen allele CA8392487.